The following is an entry in ClinVar:

ClinVar aggregate classification (germline): Uncertain significance (1 of 4 stars; one submission).

Conditions:
H syndrome. Also called: Pigmented hypertrichosis and insulin-dependent diabetes mellitus; Histiocytosis with joint contractures and sensorineural deafness; FAISALABAD HISTIOCYTOSIS; Asrar Facharzt Haque syndrome; HISTIOCYTOSIS AND LYMPHADENOPATHY WITH OR WITHOUT CUTANEOUS, CARDIAC, AND/OR ENDOCRINE FEATURES, JOINT CONTRACTURES, AND/OR DEAFNESS; HYPERPIGMENTATION, CUTANEOUS, WITH HYPERTRICHOSIS, HEPATOSPLENOMEGALY, HEART ANOMALIES, AND HYPOGONADISM WITH OR WITHOUT HEARING LOSS. Identifiers: Orphanet 168569, MedGen C1864445, MONDO:0011273, OMIM 602782.

Allele frequency attached by ClinVar (database versions not stated): ExAC 0.00001.

Submission:

Labcorp Genetics (formerly Invitae), Labcorp
Classification: Uncertain significance for H syndrome. Last evaluated: 2022-08-10. Review status: criteria provided, single submitter. Criteria: Invitae Variant Classification Sherloc (09022015). Collection method: clinical testing. Allele origin: germline.
Comment: This variant has not been reported in the literature in individuals affected with SLC29A3-related conditions. ClinVar contains an entry for this variant (Variation ID: 857418). The frequency data for this variant in the population databases is considered unreliable, as metrics indicate poor data quality at this position in the gnomAD database. Algorithms developed to predict the effect of missense changes on protein structure and function are either unavailable or do not agree on the potential impact of this missense change (SIFT: "Deleterious"; PolyPhen-2: "Probably Damaging"; Align-GVGD: "Class C0"). In summary, the available evidence is currently insufficient to determine the role of this variant in disease. Therefore, it has been classified as a Variant of Uncertain Significance. This sequence change replaces leucine, which is neutral and non-polar, with phenylalanine, which is neutral and non-polar, at codon 379 of the SLC29A3 protein (p.Leu379Phe).

NM_018344.6(SLC29A3):c.1135C>T (p.Leu379Phe)

Gene: SLC29A3 (solute carrier family 29 member 3; plus strand). Cytogenetic location: 10q22.1.
Variant type: single nucleotide variant.
Coding change: c.1135C>T on transcript NM_018344.6 (MANE Select); coding-DNA position 1135, C replaced by T.
Protein change: p.Leu379Phe; replaces leucine 379 with phenylalanine.
Molecular consequence: missense variant. On other transcripts: 3 prime UTR variant (1), non-coding transcript variant (2).
Genome position (GRCh38, 1-based): chr10:71,362,315, C>T. VCF-style: chr10-71362315-C-T. GRCh37 (hg19) VCF-style: chr10-73122072-C-T.
Other names: c.*364C>T (NM_001174098.2); c.901C>T, p.Leu301Phe (NM_001363518.2); short protein forms L301F, L379F.
Identifiers: ClinVar variation 857418 (VCV000857418.10), dbSNP rs762572378, ClinGen allele CA5543125.